The following is an entry in ClinVar:

ClinVar aggregate classification (germline): Uncertain significance (1 of 4 stars; one submission).

gnomAD v4.1: 13 of 1,613,128 alleles (0.00081%); highest among the groups gnomAD compares: Admixed American, 0.02%; no homozygotes.

Submission:

GeneDx
Classification: Uncertain significance. Last evaluated: 2023-04-07. Review status: criteria provided, single submitter. Criteria: GeneDx Variant Classification Process June 2021. Collection method: clinical testing. Allele origin: germline. Affected: yes.
Comment: In silico analysis supports that this missense variant has a deleterious effect on protein structure/function; Has not been previously published as pathogenic or benign to our knowledge; Variants in candidate genes are classified as variants of uncertain significance in accordance with ACMG guidelines (Richards et al., 2015)

NM_018897.3(DNAH7):c.9381A>T (p.Glu3127Asp)

Gene: DNAH7 (dynein axonemal heavy chain 7; minus strand). Cytogenetic location: 2q32.3.
Variant type: single nucleotide variant.
Coding change: c.9381A>T on transcript NM_018897.3 (MANE Select); coding-DNA position 9381, A replaced by T.
Protein change: p.Glu3127Asp; replaces glutamic acid 3127 with aspartic acid.
Molecular consequence: missense variant.
Genome position (GRCh38, 1-based): chr2:195,817,740, T>A on the plus strand (A>T on the coding strand, the complement: DNAH7 is on the minus strand). VCF-style: chr2-195817740-T-A. GRCh37 (hg19) VCF-style: chr2-196682464-T-A.
Other names: short protein forms E3127D.
Identifiers: ClinVar variation 3343031 (VCV003343031.1).